The following is an entry in ClinVar:

ClinVar aggregate classification (germline): Likely pathogenic (1 of 4 stars; one submission).

Conditions:
Peroxisome biogenesis disorder. Identifiers: Orphanet 79189, MedGen C1832200, MONDO:0019234. Disease mechanism: loss of function.

Submission:

Myriad Genetics, Inc.
Classification: Likely pathogenic for Peroxisome biogenesis disorder. Last evaluated: 2021-12-16. Review status: criteria provided, single submitter. Criteria: Myriad Autosomal Dominant, Autosomal Recessive and X-Linked Classification Criteria (2023). Collection method: clinical testing. Allele origin: unknown.
Comment: NM_000466.2(PEX1):c.757_758delTTinsA(F253Ifs*15) is expected to be pathogenic in the context of peroxisome biogenesis disorder type 1. This variant is predicted to lead to an abnormal or absent protein product due to the creation of a premature termination codon in PEX1, a gene where loss-of-function variants are known to be pathogenic. Please note: this variant was assessed in the context of healthy population screening.

NM_000466.3(PEX1):c.757_758delinsA (p.Phe253fs)

Gene: PEX1 (peroxisomal biogenesis factor 1; minus strand). Cytogenetic location: 7q21.2.
Variant type: Indel.
Coding change: c.757_758delinsA on transcript NM_000466.3 (MANE Select); coding-DNA positions 757 to 758, TT replaced by A.
Protein change: p.Phe253fs; shifts the reading frame from phenylalanine 253.
Molecular consequence: frameshift variant.
Genome position (GRCh38, 1-based): chr7:92,517,757-92,517,758, AA replaced by T on the plus strand (TT replaced by A on the coding strand, the reverse complement: PEX1 is on the minus strand). VCF-style: chr7-92517757-AA-T. GRCh37 (hg19) VCF-style: chr7-92147071-AA-T.
Other names: c.757_758delinsA, p.Phe253fs (NM_001282677.2); c.133_134delinsA, p.Phe45fs (NM_001282678.2); short protein forms F253fs, F45fs.
Identifiers: ClinVar variation 1726334 (VCV001726334.3), dbSNP rs2484703483, ClinGen allele CA2580077841.